The following is an entry in ClinVar:

NM_001018115.3(FANCD2):c.378-6_378-5del

Genes: FANCD2 (FA complementation group D2; plus strand), LOC107303338 (3p25 FANCD2 Alu-mediated recombination region; plus strand). Cytogenetic location: 3p25.3.
Variant type: Deletion.
Coding change: c.378-6_378-5del on transcript NM_001018115.3 (MANE Select); 6 bases into the intron before coding-DNA position 378 through 5 bases into the intron before coding-DNA position 378, 2 bases deleted (TT; older notation c.378-6_378-5delTT).
Molecular consequence: intron variant.
Genome position (GRCh38, 1-based): chr3:10,035,167-10,035,168, TT deleted; deleting any 2 consecutive bases within chr3:10,035,159-10,035,168 gives the same sequence; the c. name uses the placement nearest the transcript's 3' end. VCF-style (leftmost placement, unchanged base first): chr3-10035158-CTT-C. GRCh37 (hg19) VCF-style: chr3-10076842-CTT-C.
Other names: c.378-6_378-5delTT (NM_033084.6); c.378-6_378-5del (NM_001319984.2, NM_001374253.1, NM_033084.6 and 2 more transcripts).
Identifiers: ClinVar variation 342255 (VCV000342255.15), dbSNP rs55973240, ClinGen allele CA2249193.

ClinVar aggregate classification (germline): Benign/Likely benign. Review status: criteria provided, multiple submitters, no conflicts (2 of 4 stars). 7 submissions from 7 submitters: Benign (5); Likely benign (2). Last evaluated 2026-03-23.

Conditions:
Fanconi anemia (FA). Also called: Fanconi's anemia. Identifiers: Orphanet 84, MedGen C0015625, MeSH D005199, MONDO:0019391.
Fanconi anemia complementation group D2. Also called: FANCD2-Related Fanconi Anemia; FANCONI PANCYTOPENIA, TYPE 4; FANCONI ANEMIA, COMPLEMENTATION GROUP D. Identifiers: Orphanet 84, MedGen C3160738, MONDO:0009214, OMIM 227646.

Submissions (9):

Women's Health and Genetics/Laboratory Corporation of America, LabCorp
Classification: Benign. Last evaluated: 2026-03-23. Review status: criteria provided, single submitter. Criteria: LabCorp Variant Classification Summary - May 2015. Collection method: clinical testing. Allele origin: germline.

ARUP Laboratories, Molecular Genetics and Genomics, ARUP Laboratories
Classification: Benign for Fanconi anemia complementation group D2. Last evaluated: 2025-07-18. Review status: criteria provided, single submitter. Criteria: ARUP Molecular Germline Variant Investigation Process 2024. Collection method: clinical testing. Allele origin: germline.

Blueprint Genetics
Classification: Likely benign. Last evaluated: 2024-11-26. Review status: criteria provided, single submitter. Criteria: ACMG Guidelines, 2015. Collection method: clinical testing. Allele origin: germline.

Genome-Nilou Lab
Classification: Benign for Fanconi anemia complementation group D2. Last evaluated: 2021-08-10. Review status: criteria provided, single submitter. Criteria: ACMG Guidelines, 2015. Collection method: clinical testing. Allele origin: germline. Affected: no.

Fulgent Genetics
Classification: Benign for Fanconi anemia complementation group D2. Last evaluated: 2021-07-02. Review status: criteria provided, single submitter. Criteria: ACMG Guidelines, 2015. Collection method: clinical testing. Allele origin: unknown.

Sema4
Classification: Benign for Fanconi anemia. Last evaluated: 2019-12-09. Review status: criteria provided, single submitter. Criteria: Sema4 Curation Guidelines. Collection method: curation. Allele origin: germline.

Center for Pediatric Genomic Medicine, Children's Mercy Hospital and Clinics
Classification: Likely benign. Last evaluated: 2015-08-17. Review status: criteria provided, single submitter. Criteria: ACMG Guidelines, 2015. Collection method: clinical testing. Allele origin: germline.
ClinVar note: Converted during submission from Likely Benign to Likely benign.

Dr. Peter K. Rogan Lab, Western University
No classification provided (evidence only). Condition: Ovarian cancer. Review status: no classification provided. Collection method: in vitro. Allele origin: not applicable. Functional consequence: retained intron. Not counted in ClinVar's aggregate classification.

Dr. Peter K. Rogan Lab, Western University
No classification provided (evidence only). Condition: Ovarian cancer. Review status: no classification provided. Collection method: in vitro. Allele origin: not applicable. Functional consequence: retained intron. Not counted in ClinVar's aggregate classification.